The following is an entry in ClinVar:

NM_001164508.2(NEB):c.17347C>T (p.Arg5783Cys)

Gene: NEB (nebulin; minus strand). Cytogenetic location: 2q23.3.
Variant type: single nucleotide variant.
Coding change: c.17347C>T on transcript NM_001164508.2 (MANE Select); coding-DNA position 17347, C replaced by T.
Protein change: p.Arg5783Cys; replaces arginine 5783 with cysteine.
Molecular consequence: missense variant.
Genome position (GRCh38, 1-based): chr2:151,570,164, G>A on the plus strand (C>T on the coding strand, the complement: NEB is on the minus strand). VCF-style: chr2-151570164-G-A. GRCh37 (hg19) VCF-style: chr2-152426678-G-A.
Other names: c.17347C>T, p.Arg5783Cys (NM_001164507.2, NM_001271208.2); c.12244C>T, p.Arg4082Cys (NM_004543.5); short protein forms R5783C, R4082C.
Identifiers: ClinVar variation 575583 (VCV000575583.12), dbSNP rs1037281077, ClinGen allele CA57663392.

ClinVar aggregate classification (germline): Uncertain significance. Review status: criteria provided, multiple submitters, no conflicts (2 of 4 stars). 3 submissions from 3 submitters: Uncertain significance (2). 1 of the submissions does not count toward it. Last evaluated 2024-10-18.

Conditions:
Nemaline myopathy 2 (NEM2). Also called: Nemaline myopathy 2, autosomal recessive. Identifiers: MedGen C1850569, MONDO:0009725, OMIM 256030.

Allele frequency attached by ClinVar (database versions not stated): gnomAD exomes 0.00001; TOPMed 0.00002; gnomAD 0.00001.
gnomAD v4.1: 10 of 1,613,326 alleles (0.00062%); highest among the groups gnomAD compares: African/African-American, 0.0027%; no homozygotes.

Submissions (3):

Labcorp Genetics (formerly Invitae), Labcorp
Classification: Uncertain significance for Nemaline myopathy 2. Last evaluated: 2024-10-18. Review status: criteria provided, single submitter. Criteria: Invitae Variant Classification Sherloc (09022015). Collection method: clinical testing. Allele origin: germline.
Comment: This sequence change replaces arginine, which is basic and polar, with cysteine, which is neutral and slightly polar, at codon 5783 of the NEB protein (p.Arg5783Cys). This variant is present in population databases (no rsID available, gnomAD 0.02%). This variant has not been reported in the literature in individuals affected with NEB-related conditions. ClinVar contains an entry for this variant (Variation ID: 575583). Experimental studies and prediction algorithms are not available or were not evaluated, and the functional significance of this variant is currently unknown. In summary, the available evidence is currently insufficient to determine the role of this variant in disease. Therefore, it has been classified as a Variant of Uncertain Significance.

Revvity Omics, Revvity
Classification: Uncertain significance. Last evaluated: 2019-11-19. Review status: criteria provided, single submitter. Criteria: ACMG Guidelines, 2015. Collection method: clinical testing. Allele origin: germline.

Natera, Inc.
Classification: Uncertain significance for Nemaline myopathy type 2. Last evaluated: 2020-03-20. Review status: no assertion criteria provided. Collection method: clinical testing. Allele origin: germline. Not counted in ClinVar's aggregate classification.